The following is an entry in ClinVar:

ClinVar aggregate classification (germline): Uncertain significance. Review status: criteria provided, multiple submitters, no conflicts (2 of 4 stars). 2 submissions from 2 submitters: Uncertain significance (2). Last evaluated 2024-01-03.

Conditions:
Inborn genetic diseases. Identifiers: MedGen C0950123, MeSH D030342.

Allele frequency attached by ClinVar (database versions not stated): gnomAD exomes below 0.00001; gnomAD 0.00001; TOPMed 0.00006.
gnomAD v4.1: 7 of 1,613,966 alleles (0.00043%); highest among the groups gnomAD compares: Admixed American, 0.0067%; no homozygotes.

Submissions (2):

Ambry Genetics
Classification: Uncertain significance for Inborn genetic diseases. Last evaluated: 2024-01-03. Review status: criteria provided, single submitter. Criteria: Ambry Variant Classification Scheme 2023. Collection method: clinical testing. Allele origin: germline.

Labcorp Genetics (formerly Invitae), Labcorp
Classification: Uncertain significance. Last evaluated: 2022-03-06. Review status: criteria provided, single submitter. Criteria: Invitae Variant Classification Sherloc (09022015). Collection method: clinical testing. Allele origin: germline.
Comment: In summary, the available evidence is currently insufficient to determine the role of this variant in disease. Therefore, it has been classified as a Variant of Uncertain Significance. This variant is present in population databases (no rsID available, gnomAD 0.003%). This variant has not been reported in the literature in individuals affected with ADAMTS18-related conditions. Algorithms developed to predict the effect of missense changes on protein structure and function are either unavailable or do not agree on the potential impact of this missense change (SIFT: "Not Available"; PolyPhen-2: "Possibly Damaging"; Align-GVGD: "Not Available"). This sequence change replaces proline, which is neutral and non-polar, with leucine, which is neutral and non-polar, at codon 511 of the ADAMTS18 protein (p.Pro511Leu).

NM_199355.4(ADAMTS18):c.1532C>T (p.Pro511Leu)

Gene: ADAMTS18 (ADAM metallopeptidase with thrombospondin type 1 motif 18; minus strand). Cytogenetic location: 16q23.1.
Variant type: single nucleotide variant.
Coding change: c.1532C>T on transcript NM_199355.4 (MANE Select); coding-DNA position 1532, C replaced by T.
Protein change: p.Pro511Leu; replaces proline 511 with leucine.
Molecular consequence: missense variant.
Genome position (GRCh38, 1-based): chr16:77,353,815, G>A on the plus strand (C>T on the coding strand, the complement: ADAMTS18 is on the minus strand). VCF-style: chr16-77353815-G-A. GRCh37 (hg19) VCF-style: chr16-77387712-G-A.
Other names: c.1016C>T, p.Pro339Leu (NM_001326358.2); c.1532C>T (NM_199355.2); short protein forms P339L, P511L.
Identifiers: ClinVar variation 1914270 (VCV001914270.5), dbSNP rs915684502, ClinGen allele CA284426544.